The following is an entry in ClinVar:

NM_021975.4(RELA):c.456C>T (p.Tyr152=)

Gene: RELA (RELA proto-oncogene, NF-kB subunit; minus strand). Cytogenetic location: 11q13.1.
Variant type: single nucleotide variant.
Coding change: c.456C>T on transcript NM_021975.4 (MANE Select); coding-DNA position 456, C replaced by T.
Protein change: p.Tyr152=; no amino-acid change (tyrosine 152 retained).
Molecular consequence: synonymous variant.
Genome position (GRCh38, 1-based): chr11:65,659,769, G>A on the plus strand (C>T on the coding strand, the complement: RELA is on the minus strand). VCF-style: chr11-65659769-G-A. GRCh37 (hg19) VCF-style: chr11-65427240-G-A.
Other names: c.447C>T, p.Tyr149= (NM_001145138.2); c.456C>T, p.Tyr152= (NM_001243984.2, NM_001243985.2).
Identifiers: ClinVar variation 732489 (VCV000732489.14), dbSNP rs138226409, ClinGen allele CA6106874.

ClinVar aggregate classification (germline): Benign/Likely benign. Review status: criteria provided, multiple submitters, no conflicts (2 of 4 stars). 4 submissions from 4 submitters: Benign (2); Likely benign (1). 1 of the submissions does not count toward it. Last evaluated 2026-04-06.

Conditions:
RELA-related disorder. Also called: RELA-related condition.

Allele frequency attached by ClinVar (database versions not stated): 1000 Genomes Project 30x 0.00031; 1000 Genomes Project 0.00040; ExAC 0.00065; gnomAD exomes 0.00074 and 0.00163; ESP Exome Variant Server 0.00100; gnomAD 0.00101 and 0.00104; TOPMed 0.00101.
gnomAD v4.1: 2,502 of 1,613,522 alleles (0.16%); highest among the groups gnomAD compares: Non-Finnish European, 0.2%; 5 homozygotes.

Submissions (4):

Women's Health and Genetics/Laboratory Corporation of America, LabCorp
Classification: Benign. Last evaluated: 2026-04-06. Review status: criteria provided, single submitter. Criteria: LabCorp Variant Classification Summary - May 2015. Collection method: clinical testing. Allele origin: germline.

Labcorp Genetics (formerly Invitae), Labcorp
Classification: Benign. Last evaluated: 2026-02-01. Review status: criteria provided, single submitter. Criteria: Invitae Variant Classification Sherloc (09022015). Collection method: clinical testing. Allele origin: germline.

Blueprint Genetics
Classification: Likely benign. Last evaluated: 2024-10-17. Review status: criteria provided, single submitter. Criteria: ACMG Guidelines, 2015. Collection method: clinical testing. Allele origin: germline.

PreventionGenetics, part of Exact Sciences
Classification: Likely benign for RELA-related condition. Last evaluated: 2020-03-06. Review status: no assertion criteria provided. Collection method: clinical testing. Allele origin: germline. Not counted in ClinVar's aggregate classification.
Comment: This variant is classified as likely benign based on ACMG/AMP sequence variant interpretation guidelines (Richards et al. 2015 PMID: 25741868, with internal and published modifications).